The following is an entry in ClinVar:

NM_022114.4(PRDM16):c.1061G>A (p.Arg354Gln)

Gene: PRDM16 (PR/SET domain 16; plus strand). Cytogenetic location: 1p36.32.
Variant type: single nucleotide variant.
Coding change: c.1061G>A on transcript NM_022114.4 (MANE Select); coding-DNA position 1061, G replaced by A.
Protein change: p.Arg354Gln; replaces arginine 354 with glutamine.
Molecular consequence: missense variant.
Genome position (GRCh38, 1-based): chr1:3,405,523, G>A. VCF-style: chr1-3405523-G-A. GRCh37 (hg19) VCF-style: chr1-3322087-G-A.
Other names: c.1061G>A, p.Arg354Gln (NM_199454.3); c.1061G>A (NM_022114.3); short protein forms R354Q.
Identifiers: ClinVar variation 2055850 (VCV002055850.5), dbSNP rs776595154, ClinGen allele CA544087.

ClinVar aggregate classification (germline): Uncertain significance. Review status: criteria provided, multiple submitters, no conflicts (2 of 4 stars). 2 submissions from 2 submitters: Uncertain significance (2). Last evaluated 2025-11-19.

Conditions:
Inborn genetic diseases. Identifiers: MedGen C0950123, MeSH D030342.
Left ventricular noncompaction 8 (LVNC8). Identifiers: Orphanet 154, Orphanet 54260, MedGen C3809288, MONDO:0014152, OMIM 615373.

Allele frequency attached by ClinVar (database versions not stated): gnomAD exomes below 0.00001; ExAC 0.00001.
gnomAD v4.1: 6 of 1,598,516 alleles (0.00038%); highest among the groups gnomAD compares: Middle Eastern, 0.017%; no homozygotes.

Submissions (2):

Ambry Genetics
Classification: Uncertain significance for Inborn genetic diseases. Last evaluated: 2025-11-19. Review status: criteria provided, single submitter. Criteria: Ambry Variant Classification Scheme 2023. Collection method: clinical testing. Allele origin: germline.

Labcorp Genetics (formerly Invitae), Labcorp
Classification: Uncertain significance for Left ventricular noncompaction 8. Last evaluated: 2024-10-15. Review status: criteria provided, single submitter. Criteria: Invitae Variant Classification Sherloc (09022015). Collection method: clinical testing. Allele origin: germline.
Comment: This sequence change replaces arginine, which is basic and polar, with glutamine, which is neutral and polar, at codon 354 of the PRDM16 protein (p.Arg354Gln). This variant is present in population databases (rs776595154, gnomAD 0.001%). This variant has not been reported in the literature in individuals affected with PRDM16-related conditions. ClinVar contains an entry for this variant (Variation ID: 2055850). An algorithm developed to predict the effect of missense changes on protein structure and function (PolyPhen-2) suggests that this variant is likely to be disruptive. In summary, the available evidence is currently insufficient to determine the role of this variant in disease. Therefore, it has been classified as a Variant of Uncertain Significance.